The following is an entry in ClinVar:

NM_017763.6(RNF43):c.1463A>C (p.Gln488Pro)

Gene: RNF43 (ring finger protein 43; minus strand). Cytogenetic location: 17q22.
Variant type: single nucleotide variant.
Coding change: c.1463A>C on transcript NM_017763.6 (MANE Select); coding-DNA position 1463, A replaced by C.
Protein change: p.Gln488Pro; replaces glutamine 488 with proline.
Molecular consequence: missense variant.
Genome position (GRCh38, 1-based): chr17:58,358,313, T>G on the plus strand (A>C on the coding strand, the complement: RNF43 is on the minus strand). VCF-style: chr17-58358313-T-G. GRCh37 (hg19) VCF-style: chr17-56435674-T-G.
Other names: c.1463A>C, p.Gln488Pro (NM_001305544.3); c.1082A>C, p.Gln361Pro (NM_001305545.2); short protein forms Q361P, Q488P.
Identifiers: ClinVar variation 3946933 (VCV003946933.1).
Genomic context (GRCh38, chr17:58,358,313, plus strand): 5'-AGGGGGTCAAAGTCACTGCTTAGGGAGCTGCAGAAAGTAGAACTGCTGCCATGGACCCCC[T>G]GTAGGCTGATGTCCGTGCAGTTGACCACAGAGTCACTGGAAGAGCCATGACAGGGCCCTG-3'
Protein context (NP_060233.3, residues 478-498): SVVNCTDISL[Gln488Pro]GVHGSSSTFC

ClinVar aggregate classification (germline): Uncertain significance (1 of 4 stars; one submission).

Submission:

Ambry Genetics
Classification: Uncertain significance. Last evaluated: 2025-06-06. Review status: criteria provided, single submitter. Criteria: Ambry Variant Classification Scheme 2023. Collection method: clinical testing. Allele origin: germline.
Comment: The p.Q488P variant (also known as c.1463A>C), located in coding exon 8 of the RNF43 gene, results from an A to C substitution at nucleotide position 1463. The glutamine at codon 488 is replaced by proline, an amino acid with similar properties. This amino acid position is conserved. In addition, this alteration is predicted to be tolerated by in silico analysis. Based on the available evidence, the clinical significance of this variant remains unclear.